The following is an entry in ClinVar:

ClinVar aggregate classification (germline): Pathogenic (1 of 4 stars; one submission).

Conditions:
TWIST1-related craniosynostosis (CRS1). Also called: CRANIOSYNOSTOSIS 1. Identifiers: Orphanet 63440, MedGen C4551902, MONDO:0007399, OMIM 123100. Inheritance: Heterogenous inheritance pattern.

Submission:

Labcorp Genetics (formerly Invitae), Labcorp
Classification: Pathogenic for TWIST1-related craniosynostosis. Last evaluated: 2018-08-01. Review status: criteria provided, single submitter. Criteria: Invitae Variant Classification Sherloc (09022015). Collection method: clinical testing. Allele origin: germline.
Comment: For these reasons, this variant has been classified as Pathogenic. Loss-of-function variants in ERF are known to be pathogenic (PMID: 23354439, 28808027, 26097063). This variant has not been reported in the literature in individuals with ERF-related disease. This variant is not present in population databases (ExAC no frequency). This sequence change creates a premature translational stop signal (p.Gln75*) in the ERF gene. It is expected to result in an absent or disrupted protein product.

Literature cited by the submitters: PubMed 23354439; PubMed 28808027; PubMed 26097063.

NM_006494.4(ERF):c.223C>T (p.Gln75Ter)

Gene: ERF (ETS2 repressor factor; minus strand). Cytogenetic location: 19q13.2.
Variant type: single nucleotide variant.
Coding change: c.223C>T on transcript NM_006494.4 (MANE Select); coding-DNA position 223, C replaced by T.
Protein change: p.Gln75Ter; replaces glutamine 75 with a stop codon.
Molecular consequence: nonsense. On other transcripts: 5 prime UTR variant (3).
Genome position (GRCh38, 1-based): chr19:42,250,365, G>A on the plus strand (C>T on the coding strand, the complement: ERF is on the minus strand). VCF-style: chr19-42250365-G-A. GRCh37 (hg19) VCF-style: chr19-42754517-G-A.
Other names: c.-3C>T (NM_001301035.2, NM_001308402.2, NM_001312656.2); short protein forms Q75*.
Identifiers: ClinVar variation 582072 (VCV000582072.7), dbSNP rs1568472771, ClinGen allele CA406114942.